The following is an entry in ClinVar:

ClinVar aggregate classification (germline): Likely pathogenic. Review status: criteria provided, multiple submitters, no conflicts (2 of 4 stars). 2 submissions from 2 submitters: Likely pathogenic (2). Last evaluated 2023-12-22.

Conditions:
Cardiovascular phenotype. Identifiers: MedGen CN230736.
Dilated cardiomyopathy 1G (CMD1G). Identifiers: Orphanet 154, MedGen C1858763, MONDO:0011400, OMIM 604145.

Submissions (2):

Ambry Genetics
Classification: Likely pathogenic for Cardiovascular phenotype. Last evaluated: 2023-12-22. Review status: criteria provided, single submitter. Criteria: Ambry Variant Classification Scheme 2023. Collection method: clinical testing. Allele origin: germline.
Comment: The c.13431dupA (p.P4478Tfs*13) alteration, located in exon 48 (coding exon 47) of the TTN gene, consists of a duplication of A at position 13431, causing a translational frameshift with a predicted alternate stop codon after 13 amino acids. This alteration is expected to result in loss of function by premature protein truncation or nonsense-mediated mRNA decay. This variant was not reported in population-based cohorts in the Genome Aggregation Database (gnomAD). This alteration has been reported in association with dilated cardiomyopathy (DCM) (Marschall, 2019). This exon is located in the I-band region of the N2-B isoform of the titin protein and is constitutively expressed in TTN transcripts (percent spliced in or PSI 100%). Based on the available evidence, this alteration is classified as likely pathogenic.

MVZ Martinsried, Medicover Genetics
Classification: Likely pathogenic for Dilated cardiomyopathy 1G. Last evaluated: 2016-09-20. Review status: criteria provided, single submitter. Criteria: ACMG Guidelines, 2015. Collection method: clinical testing. Allele origin: unknown. Affected: yes.

Literature cited by the submitters: PubMed 31737537 (cited by Ambry Genetics).

NM_001267550.2(TTN):c.40626dup (p.Pro13543fs)

Gene: TTN (titin; minus strand). Cytogenetic location: 2q31.2.
Variant type: Duplication.
Coding change: c.40626dup on transcript NM_001267550.2 (MANE Select); coding-DNA position 40626, one base duplicated (A; older notation c.40626dupA).
Protein change: p.Pro13543fs; shifts the reading frame from proline 13543.
Molecular consequence: frameshift variant.
Genome position (GRCh38, 1-based): chr2:178,641,248, T duplicated on the plus strand (A on the coding strand, the reverse complement: TTN is on the minus strand); the first of 6 consecutive T bases (chr2:178,641,248-178,641,253); duplicating any one gives the same sequence. VCF-style (leftmost placement, unchanged base first): chr2-178641247-G-GT. GRCh37 (hg19) VCF-style: chr2-179505974-G-GT.
Other names: c.35703dup, p.Pro11902fs (NM_001256850.1); c.13431dup, p.Pro4478fs (NM_003319.4); c.32922dup, p.Pro10975fs (NM_133378.4); c.13806dup, p.Pro4603fs (NM_133432.3); c.14007dup, p.Pro4670fs (NM_133437.4); c.40626dupA (NM_001267550.2); c.13431dupA (NM_003319.4); short protein forms P4670fs, P13543fs, P4478fs, P10975fs, P11902fs, P4603fs.
Identifiers: ClinVar variation 446420 (VCV000446420.2), dbSNP rs1553754743, ClinGen allele CA658657167.